The following is an entry in ClinVar:

ClinVar aggregate classification (germline): Benign/Likely benign. Review status: criteria provided, multiple submitters, no conflicts (2 of 4 stars). 3 submissions from 3 submitters: Benign (1); Likely benign (2). Last evaluated 2025-09-16.

Conditions:
Renal cell carcinoma. Identifiers: Orphanet 217071, MedGen C0007134, MeSH D002292, MONDO:0005086, HP:0005584.
Papillary renal cell carcinoma type 1 (RCCP1). Also called: RENAL CELL CARCINOMA, PAPILLARY, 1, SOMATIC; Renal adenocarcinoma; Renal cell carcinoma 1; Renal cell carcinoma, somatic. Identifiers: Orphanet 47044, MedGen C1336839, OMIM 605074, HP:0011797.
Hereditary cancer-predisposing syndrome. Also called: Hereditary Cancer Syndrome; Hereditary neoplastic syndrome; Neoplastic Syndromes, Hereditary; Tumor predisposition. Identifiers: Orphanet 140162, MedGen C0027672, MeSH D009386, MONDO:0015356.

gnomAD v4.1: 41 of 1,613,738 alleles (0.0025%); highest among the groups gnomAD compares: South Asian, 0.03%; no homozygotes.

Submissions (3):

Labcorp Genetics (formerly Invitae), Labcorp
Classification: Likely benign for Renal cell carcinoma. Last evaluated: 2025-09-16. Review status: criteria provided, single submitter. Criteria: Invitae Variant Classification Sherloc (09022015). Collection method: clinical testing. Allele origin: germline.

Myriad Genetics, Inc.
Classification: Benign for Papillary renal cell carcinoma type 1. Last evaluated: 2024-11-12. Review status: criteria provided, single submitter. Criteria: Myriad Autosomal Dominant, Autosomal Recessive and X-Linked Classification Criteria (2023). Collection method: clinical testing. Allele origin: unknown.
Comment: This variant is considered benign. This variant is a silent/synonymous amino acid change and it is not expected to impact splicing.

Ambry Genetics
Classification: Likely benign for Hereditary cancer-predisposing syndrome. Last evaluated: 2019-09-16. Review status: criteria provided, single submitter. Criteria: Ambry Variant Classification Scheme 2023. Collection method: clinical testing. Allele origin: germline.

NM_000245.4(MET):c.2754C>A (p.Thr918=)

Gene: MET (MET proto-oncogene, receptor tyrosine kinase; plus strand). Cytogenetic location: 7q31.2.
Variant type: single nucleotide variant.
Coding change: c.2754C>A on transcript NM_000245.4 (MANE Select); coding-DNA position 2754, C replaced by A.
Protein change: p.Thr918=; no amino-acid change (threonine 918 retained).
Molecular consequence: synonymous variant.
Genome position (GRCh38, 1-based): chr7:116,771,521, C>A. VCF-style: chr7-116771521-C-A. GRCh37 (hg19) VCF-style: chr7-116411575-C-A.
Other names: c.2808C>A, p.Thr936= (NM_001127500.3); c.1464C>A, p.Thr488= (NM_001324402.2).
Identifiers: ClinVar variation 755799 (VCV000755799.16), dbSNP rs770886012, ClinGen allele CA4448582.